The following is an entry in ClinVar:

NM_001267550.2(TTN):c.19738C>T (p.Pro6580Ser)

Genes: TTN (titin; minus strand), LOC126806429 (BRD4-independent group 4 enhancer GRCh37_chr2:179591393-179592592; plus strand). Cytogenetic location: 2q31.2.
Variant type: single nucleotide variant.
Coding change: c.19738C>T on transcript NM_001267550.2 (MANE Select); coding-DNA position 19738, C replaced by T.
Protein change: p.Pro6580Ser; replaces proline 6580 with serine.
Molecular consequence: missense variant. On other transcripts: intron variant (3).
Genome position (GRCh38, 1-based): chr2:178,727,840, G>A on the plus strand (C>T on the coding strand, the complement: TTN is on the minus strand). VCF-style: chr2-178727840-G-A. GRCh37 (hg19) VCF-style: chr2-179592567-G-A.
Other names: p.P6263S:CCT>TCT; c.18787C>T, p.Pro6263Ser (NM_001256850.1); c.16006C>T, p.Pro5336Ser (NM_133378.4); c.13282+10242C>T (NM_003319.4); c.13858+10242C>T (NM_133437.4); c.13657+10242C>T (NM_133432.3); short protein forms P6580S, P5336S, P6263S.
Identifiers: ClinVar variation 46661 (VCV000046661.35), dbSNP rs116572520, ClinGen allele CA282763.

ClinVar aggregate classification (germline): Conflicting classifications of pathogenicity. Review status: criteria provided, conflicting classifications (1 of 4 stars). 18 submissions from 14 submitters: Uncertain significance (4); Benign (9); Likely benign (3). 2 of the submissions do not count toward it. Last evaluated 2026-02-03.

Conditions:
Dilated cardiomyopathy 1G (CMD1G). Identifiers: Orphanet 154, MedGen C1858763, MONDO:0011400, OMIM 604145.
Autosomal recessive limb-girdle muscular dystrophy type 2J (LGMDR10). Also called: MUSCULAR DYSTROPHY, LIMB-GIRDLE, AUTOSOMAL RECESSIVE 10; Limb-girdle muscular dystrophy, type 2J. Identifiers: Orphanet 140922, MedGen C1837342, MONDO:0012127, OMIM 608807.
Cardiomyopathy (CMYO). Also called: Cardiomyopathies. Identifiers: Orphanet 167848, MedGen C0878544, MONDO:0004994, HP:0001638. Inheritance: Various modes of inheritance.
Early-onset myopathy with fatal cardiomyopathy (CMYO5). Also called: CONGENITAL MYOPATHY 5 WITH CARDIOMYOPATHY; Salih Myopathy. Identifiers: Orphanet 289377, MedGen C2673677, MONDO:0012714, OMIM 611705. Disease mechanism: loss of function.
Myopathy, myofibrillar, 9, with early respiratory failure (MFM9). Also called: Myopathy, distal, with early respiratory failure, autosomal dominant; Hereditary myopathy with early respiratory failure; MYOPATHY, PROXIMAL, WITH EARLY RESPIRATORY MUSCLE INVOLVEMENT; EDSTROM MYOPATHY. Identifiers: Orphanet 178464, Orphanet 34521, MedGen C1863599, MONDO:0011362, OMIM 603689.
Tibial muscular dystrophy (TMD). Also called: Udd Distal Myopathy – Tibial Muscular Dystrophy; Tibial muscular dystrophy, tardive; UDD MYOPATHY. Identifiers: Orphanet 609, MedGen C1838244, MONDO:0010870, OMIM 600334.

Allele frequency attached by ClinVar (database versions not stated): 1000 Genomes Project 30x 0.00328; 1000 Genomes Project 0.00339; gnomAD 0.00184 and 0.00188; TOPMed 0.00193; ESP Exome Variant Server 0.00220.
gnomAD v4.1: 526 of 1,594,822 alleles (0.033%); highest among the groups gnomAD compares: African/African-American, 0.64%; 5 homozygotes.

Submissions (18):

Labcorp Genetics (formerly Invitae), Labcorp
Classification: Benign for Dilated cardiomyopathy 1G; Autosomal recessive limb-girdle muscular dystrophy type 2J. Last evaluated: 2026-02-03. Review status: criteria provided, single submitter. Criteria: Invitae Variant Classification Sherloc (09022015). Collection method: clinical testing. Allele origin: germline.

Athena Diagnostics
Classification: Benign. Last evaluated: 2025-09-19. Review status: criteria provided, single submitter. Criteria: Athena Diagnostics Criteria. Collection method: clinical testing. Allele origin: unknown.
Comment: The frequency of this variant in the general population is higher than would generally be expected for pathogenic variants in this gene.

Molecular Diagnostic Laboratory for Inherited Cardiovascular Disease, Montreal Heart Institute
Classification: Likely benign. Last evaluated: 2025-04-09. Review status: criteria provided, single submitter. Criteria: ACMG Guidelines, 2015. Collection method: clinical testing. Allele origin: germline. Affected: no.

Blueprint Genetics
Classification: Likely benign. Last evaluated: 2024-10-24. Review status: criteria provided, single submitter. Criteria: ACMG Guidelines, 2015. Collection method: clinical testing. Allele origin: germline.

Women's Health and Genetics/Laboratory Corporation of America, LabCorp
Classification: Benign. Last evaluated: 2022-02-06. Review status: criteria provided, single submitter. Criteria: LabCorp Variant Classification Summary - May 2015. Collection method: clinical testing. Allele origin: germline.
Comment: Variant summary: TTN c.16006C>T (p.Pro5336Ser) results in a non-conservative amino acid change located in the I-Band domain of the encoded protein sequence. Three of four in-silico tools predict a damaging effect of the variant on protein function. The variant allele was found at a frequency of 0.00044 in 235134 control chromosomes, predominantly at a frequency of 0.0063 within the African or African-American subpopulation in the gnomAD database, including 1 homozygote. The observed variant frequency within African or African-American control individuals in the gnomAD database is approximately 10 fold of the estimated maximal expected allele frequency for a pathogenic variant in TTN causing Cardiomyopathy phenotype (0.00063), strongly suggesting that the variant is a benign polymorphism found primarily in populations of African or African-American origin. To our knowledge, no occurrence of c.16006C>T in individuals affected with Cardiomyopathy and no experimental evidence demonstrating its impact on protein function have been reported. At-least one co-occurrence with another pathogenic variant has been observed at our laboratory (TTR c.424G>A, p.Val142Ile), providing supporting evidence for a benign role. Seven clinical diagnostic laboratories have submitted clinical-significance assessments for this variant to ClinVar after 2014 without evidence for independent evaluation. Multiple laboratories reported the variant with conflicting assessments but a majority consensus as benign/likely benign (n=5) (VUS, n=2). Based on the evidence outlined above, the variant was classified as benign.

Baylor Genetics
Classification: Uncertain significance for Autosomal recessive limb-girdle muscular dystrophy type 2J. Last evaluated: 2020-09-30. Review status: criteria provided, single submitter. Criteria: ACMG Guidelines, 2015. Collection method: clinical testing. Allele origin: unknown. Affected: yes.
Comment: This variant was determined to be of uncertain significance according to ACMG Guidelines, 2015 [PMID:25741868].

CHEO Genetics Diagnostic Laboratory, Children's Hospital of Eastern Ontario
Classification: Benign for Cardiomyopathy. Last evaluated: 2020-06-22. Review status: criteria provided, single submitter. Criteria: ACMG Guidelines, 2015. Collection method: clinical testing. Allele origin: germline. Study: Canadian Open Genetics Repository.

Center for Advanced Laboratory Medicine, UC San Diego Health, University of California San Diego
Classification: Benign for Cardiomyopathy. Last evaluated: 2019-04-17. Review status: criteria provided, single submitter. Criteria: ACMG Guidelines, 2015. Collection method: clinical testing. Allele origin: germline. Affected: yes. Observed: 1 variant allele.

Illumina Laboratory Services, Illumina
Classification: Benign for Tibial muscular dystrophy. Last evaluated: 2018-01-13. Review status: criteria provided, single submitter. Criteria: ICSL Variant Classification Criteria 13 December 2019. Collection method: clinical testing. Allele origin: germline.
Comment: This variant was observed in the ICSL laboratory as part of a predisposition screen in an ostensibly healthy population. It had not been previously curated by ICSL or reported in the Human Gene Mutation Database (HGMD: prior to June 1st, 2018), and was therefore a candidate for classification through an automated scoring system. Utilizing variant allele frequency, disease prevalence and penetrance estimates, and inheritance mode, an automated score was calculated to assess if this variant is too frequent to cause the disease. Based on the score and internal cut-off values, a variant classified as benign is not then subjected to further curation. The score for this variant resulted in a classification of benign for this disease.

Illumina Laboratory Services, Illumina
Classification: Uncertain significance for Autosomal recessive limb-girdle muscular dystrophy type 2J. Last evaluated: 2018-01-13. Review status: criteria provided, single submitter. Criteria: ICSL Variant Classification Criteria 13 December 2019. Collection method: clinical testing. Allele origin: germline.

Illumina Laboratory Services, Illumina
Classification: Uncertain significance for Dilated cardiomyopathy 1G. Last evaluated: 2018-01-13. Review status: criteria provided, single submitter. Criteria: ICSL Variant Classification Criteria 13 December 2019. Collection method: clinical testing. Allele origin: germline.

Illumina Laboratory Services, Illumina
Classification: Benign for Myopathy, myofibrillar, 9, with early respiratory failure. Last evaluated: 2018-01-13. Review status: criteria provided, single submitter. Criteria: ICSL Variant Classification Criteria 13 December 2019. Collection method: clinical testing. Allele origin: germline.
Comment: the same text as in the submission from Illumina Laboratory Services, Illumina above.

Illumina Laboratory Services, Illumina
Classification: Uncertain significance for Early-onset myopathy with fatal cardiomyopathy. Last evaluated: 2018-01-13. Review status: criteria provided, single submitter. Criteria: ICSL Variant Classification Criteria 13 December 2019. Collection method: clinical testing. Allele origin: germline.

Eurofins Ntd Llc (ga)
Classification: Benign. Last evaluated: 2017-01-30. Review status: criteria provided, single submitter. Criteria: EGL Classification Definitions 2015. Collection method: clinical testing. Allele origin: germline. Observed: 3 variant alleles, 3 heterozygotes.

GeneDx
Classification: Benign. Last evaluated: 2014-05-06. Review status: criteria provided, single submitter. Criteria: GeneDx Variant Classification (06012015). Collection method: clinical testing. Allele origin: germline. Affected: yes.
Comment: This variant is considered likely benign or benign based on one or more of the following criteria: it is a conservative change, it occurs at a poorly conserved position in the protein, it is predicted to be benign by multiple in silico algorithms, and/or has population frequency not consistent with disease.

Laboratory for Molecular Medicine, Mass General Brigham Personalized Medicine
Classification: Likely benign. Last evaluated: 2013-09-24. Review status: criteria provided, single submitter. Criteria: LMM Criteria. Collection method: clinical testing. Allele origin: germline. Observed: 2 variant alleles.
Comment: Pro5336Ser in exon 65 of TTN: This variant is not expected to have clinical sign ificance because it has been identified in 0.7% (26/3662) of African American ch romosomes by the NHLBI Exome Sequencing Project (S; dbSNP rs116572520). Pro5336Ser in exon 65 of TTN (rs116572520; allele freque ncy = 0.7%, 26/3662) **

Clinical Genetics DNA and cytogenetics Diagnostics Lab, Erasmus MC, Erasmus Medical Center
Classification: Benign. Review status: no assertion criteria provided. Collection method: clinical testing. Allele origin: germline. Affected: yes. Study: VKGL Data-share Consensus. Not counted in ClinVar's aggregate classification.

Clinical Genetics, Academic Medical Center
Classification: Benign. Review status: no assertion criteria provided. Collection method: clinical testing. Allele origin: germline. Affected: yes. Study: VKGL Data-share Consensus. Not counted in ClinVar's aggregate classification.

Literature cited by the submitters: PubMed 35200695 (cited by Athena Diagnostics); PubMed 30681346 (cited by Athena Diagnostics).